The following is an entry in ClinVar:

ClinVar aggregate classification (germline): Uncertain significance (1 of 4 stars; one submission).

Conditions:
Joubert syndrome. Also called: JOUBERT-BOLTSHAUSER SYNDROME; Familial aplasia of the vermis. Identifiers: Orphanet 475, MedGen C5979921, MONDO:0018772.
Meckel-Gruber syndrome. Also called: DYSENCEPHALIA SPLANCHNOCYSTICA; GRUBER SYNDROME; Dysencephalia splachnocystica. Identifiers: Orphanet 564, MedGen C0265215, MONDO:0018921.

Submission:

Labcorp Genetics (formerly Invitae), Labcorp
Classification: Uncertain significance for Joubert syndrome; Meckel-Gruber syndrome. Last evaluated: 2021-08-31. Review status: criteria provided, single submitter. Criteria: Invitae Variant Classification Sherloc (09022015). Collection method: clinical testing. Allele origin: germline.
Comment: This sequence change replaces serine with arginine at codon 736 of the CC2D2A protein (p.Ser736Arg). The serine residue is weakly conserved and there is a moderate physicochemical difference between serine and arginine. This variant is not present in population databases (ExAC no frequency). This variant has not been reported in the literature in individuals affected with CC2D2A-related conditions. Advanced modeling of protein sequence and biophysical properties (such as structural, functional, and spatial information, amino acid conservation, physicochemical variation, residue mobility, and thermodynamic stability) performed at Invitae indicates that this missense variant is not expected to disrupt CC2D2A protein function. In summary, the available evidence is currently insufficient to determine the role of this variant in disease. Therefore, it has been classified as a Variant of Uncertain Significance.

NM_001378615.1(CC2D2A):c.2208T>A (p.Ser736Arg)

Genes: CC2D2A (coiled-coil and C2 domain containing 2A; plus strand), FBXL5 (F-box and leucine rich repeat protein 5; minus strand). Cytogenetic location: 4p15.32.
Variant type: single nucleotide variant.
Coding change: c.2208T>A on transcript NM_001378615.1 (MANE Select); coding-DNA position 2208, T replaced by A.
Protein change: p.Ser736Arg; replaces serine 736 with arginine.
Molecular consequence: missense variant.
Genome position (GRCh38, 1-based): chr4:15,550,850, T>A. VCF-style: chr4-15550850-T-A. GRCh37 (hg19) VCF-style: chr4-15552473-T-A.
Other names: c.2208T>A, p.Ser736Arg (NM_001080522.2); c.2061T>A, p.Ser687Arg (NM_001378617.1); short protein forms S687R, S736R.
Identifiers: ClinVar variation 1481340 (VCV001481340.5), dbSNP rs2109050119, ClinGen allele CA356417017.